The following is an entry in ClinVar:

NM_022124.6(CDH23):c.2954-14G>A

Gene: CDH23 (cadherin related 23; plus strand). Cytogenetic location: 10q22.1.
Variant type: single nucleotide variant.
Coding change: c.2954-14G>A on transcript NM_022124.6 (MANE Select); 14 bases into the intron before coding-DNA position 2954, G replaced by A.
Molecular consequence: intron variant.
Genome position (GRCh38, 1-based): chr10:71,706,883, G>A. VCF-style: chr10-71706883-G-A. GRCh37 (hg19) VCF-style: chr10-73466640-G-A.
Other names: c.2954-14G>A (NM_001171930.2, NM_001171931.2).
Identifiers: ClinVar variation 162900 (VCV000162900.28), dbSNP rs191534381, ClinGen allele CA175478.

ClinVar aggregate classification (germline): Conflicting classifications of pathogenicity. Review status: criteria provided, conflicting classifications (1 of 4 stars). 8 submissions from 7 submitters: Uncertain significance (1); Benign (3); Likely benign (4). Last evaluated 2026-02-02.

Conditions:
Autosomal recessive nonsyndromic hearing loss 12. Also called: DEAFNESS, AUTOSOMAL RECESSIVE 12. Identifiers: Orphanet 90636, MedGen C1832394, MONDO:0011067, OMIM 601386.
Usher syndrome type 1D (USH1D). Also called: USHER SYNDROME, TYPE ID. Identifiers: Orphanet 231169, Orphanet 886, MedGen C1832845, MONDO:0010984, OMIM 601067.

Allele frequency attached by ClinVar (database versions not stated): ESP Exome Variant Server 0.00325; TOPMed 0.00326; gnomAD 0.00347 and 0.00318; gnomAD exomes 0.00030 and 0.00077; ExAC 0.00200; 1000 Genomes Project 30x 0.00219; 1000 Genomes Project 0.00240.
gnomAD v4.1: 944 of 1,586,056 alleles (0.06%); highest among the groups gnomAD compares: African/African-American, 1.1%; 3 homozygotes.

Submissions (8):

Labcorp Genetics (formerly Invitae), Labcorp
Classification: Benign. Last evaluated: 2026-02-02. Review status: criteria provided, single submitter. Criteria: Invitae Variant Classification Sherloc (09022015). Collection method: clinical testing. Allele origin: germline.

Women's Health and Genetics/Laboratory Corporation of America, LabCorp
Classification: Likely benign. Last evaluated: 2026-01-23. Review status: criteria provided, single submitter. Criteria: LabCorp Variant Classification Summary - May 2015. Collection method: clinical testing. Allele origin: germline.

Blueprint Genetics
Classification: Likely benign. Last evaluated: 2024-10-22. Review status: criteria provided, single submitter. Criteria: ACMG Guidelines, 2015. Collection method: clinical testing. Allele origin: germline.

ARUP Laboratories, Molecular Genetics and Genomics, ARUP Laboratories
Classification: Benign. Last evaluated: 2019-02-20. Review status: criteria provided, single submitter. Criteria: ARUP Molecular Germline Variant Investigation Process. Collection method: clinical testing. Allele origin: germline.

GeneDx
Classification: Likely benign. Last evaluated: 2018-09-17. Review status: criteria provided, single submitter. Criteria: GeneDx Variant Classification Process June 2021. Collection method: clinical testing. Allele origin: germline. Affected: yes.

Illumina Laboratory Services, Illumina
Classification: Uncertain significance for Autosomal recessive nonsyndromic hearing loss 12. Last evaluated: 2018-01-13. Review status: criteria provided, single submitter. Criteria: ICSL Variant Classification Criteria 13 December 2019. Collection method: clinical testing. Allele origin: germline.

Illumina Laboratory Services, Illumina
Classification: Likely benign for Usher syndrome type 1D. Last evaluated: 2018-01-13. Review status: criteria provided, single submitter. Criteria: ICSL Variant Classification Criteria 13 December 2019. Collection method: clinical testing. Allele origin: germline.
Comment: This variant was observed in the ICSL laboratory as part of a predisposition screen in an ostensibly healthy population. It had not been previously curated by ICSL or reported in the Human Gene Mutation Database (HGMD: prior to June 1st, 2018), and was therefore a candidate for classification through an automated scoring system. Utilizing variant allele frequency, disease prevalence and penetrance estimates, and inheritance mode, an automated score was calculated to assess if this variant is too frequent to cause the disease. Based on the score and internal cut-off values, a variant classified as likely benign is not then subjected to further curation. The score for this variant resulted in a classification of likely benign for this disease.

Laboratory for Molecular Medicine, Mass General Brigham Personalized Medicine
Classification: Benign. Last evaluated: 2013-11-26. Review status: criteria provided, single submitter. Criteria: LMM Criteria. Collection method: clinical testing. Allele origin: germline. Observed: 3 variant alleles.
Comment: 2954-14G>A in Intron 25 of CDH23: This variant is not expected to have clinical significance because it has been identified in 1.0% (40/4184) of African America n chromosomes from a broad population by the NHLBI Exome Sequencing Project.